The following is an entry in ClinVar:

NM_002439.5(MSH3):c.1763G>T (p.Arg588Met)

Gene: MSH3 (mutS homolog 3; plus strand). Cytogenetic location: 5q14.1.
Variant type: single nucleotide variant.
Coding change: c.1763G>T on transcript NM_002439.5 (MANE Select); coding-DNA position 1763, G replaced by T.
Protein change: p.Arg588Met; replaces arginine 588 with methionine.
Molecular consequence: missense variant.
Genome position (GRCh38, 1-based): chr5:80,744,615, G>T. VCF-style: chr5-80744615-G-T. GRCh37 (hg19) VCF-style: chr5-80040434-G-T.
Other names: short protein forms R588M.
Identifiers: ClinVar variation 3657260 (VCV003657260.2).

ClinVar aggregate classification (germline): Uncertain significance (1 of 4 stars; one submission).

Submission:

Labcorp Genetics (formerly Invitae), Labcorp
Classification: Uncertain significance. Last evaluated: 2024-06-21. Review status: criteria provided, single submitter. Criteria: Invitae Variant Classification Sherloc (09022015). Collection method: clinical testing. Allele origin: germline.
Comment: This sequence change replaces arginine, which is basic and polar, with methionine, which is neutral and non-polar, at codon 588 of the MSH3 protein (p.Arg588Met). This variant also falls at the last nucleotide of exon 12, which is part of the consensus splice site for this exon. This variant is not present in population databases (gnomAD no frequency). This variant has not been reported in the literature in individuals affected with MSH3-related conditions. An algorithm developed to predict the effect of missense changes on protein structure and function (PolyPhen-2) suggests that this variant is likely to be disruptive. Variants that disrupt the consensus splice site are a relatively common cause of aberrant splicing (PMID: 17576681, 9536098). Algorithms developed to predict the effect of sequence changes on RNA splicing suggest that this variant may disrupt the consensus splice site. In summary, the available evidence is currently insufficient to determine the role of this variant in disease. Therefore, it has been classified as a Variant of Uncertain Significance.

Literature cited by the submitters: PubMed 17576681; PubMed 9536098.